The following is an entry in ClinVar:

ClinVar aggregate classification (germline): Uncertain significance. Review status: criteria provided, multiple submitters, no conflicts (2 of 4 stars). 2 submissions from 2 submitters: Uncertain significance (2). Last evaluated 2022-03-14.

Allele frequency attached by ClinVar (database versions not stated): gnomAD exomes below 0.00001; ExAC 0.00001.
gnomAD v4.1: 6 of 1,614,194 alleles (0.00037%); highest among the groups gnomAD compares: Admixed American, 0.0067%; no homozygotes.

Submissions (2):

Labcorp Genetics (formerly Invitae), Labcorp
Classification: Uncertain significance. Last evaluated: 2022-03-14. Review status: criteria provided, single submitter. Criteria: Invitae Variant Classification Sherloc (09022015). Collection method: clinical testing. Allele origin: germline.
Comment: This sequence change replaces alanine, which is neutral and non-polar, with threonine, which is neutral and polar, at codon 2702 of the LRP2 protein (p.Ala2702Thr). This variant is present in population databases (rs751999402, gnomAD 0.006%). This variant has not been reported in the literature in individuals affected with LRP2-related conditions. Advanced modeling of protein sequence and biophysical properties (such as structural, functional, and spatial information, amino acid conservation, physicochemical variation, residue mobility, and thermodynamic stability) performed at Invitae indicates that this missense variant is not expected to disrupt LRP2 protein function. In summary, the available evidence is currently insufficient to determine the role of this variant in disease. Therefore, it has been classified as a Variant of Uncertain Significance.

Blueprint Genetics
Classification: Uncertain significance. Last evaluated: 2019-06-03. Review status: criteria provided, single submitter. Criteria: ACMG Guidelines, 2015. Collection method: clinical testing. Allele origin: germline.

NM_004525.3(LRP2):c.8104G>A (p.Ala2702Thr)

Gene: LRP2 (LDL receptor related protein 2; minus strand). Cytogenetic location: 2q31.1.
Variant type: single nucleotide variant.
Coding change: c.8104G>A on transcript NM_004525.3 (MANE Select); coding-DNA position 8104, G replaced by A.
Protein change: p.Ala2702Thr; replaces alanine 2702 with threonine.
Molecular consequence: missense variant.
Genome position (GRCh38, 1-based): chr2:169,202,861, C>T on the plus strand (G>A on the coding strand, the complement: LRP2 is on the minus strand). VCF-style: chr2-169202861-C-T. GRCh37 (hg19) VCF-style: chr2-170059371-C-T.
Other names: short protein forms A2702T.
Identifiers: ClinVar variation 1949373 (VCV001949373.3), dbSNP rs751999402, ClinGen allele CA1953933.